The following is an entry in ClinVar:

ClinVar aggregate classification (germline): Uncertain significance. Review status: criteria provided, multiple submitters, no conflicts (2 of 4 stars). 2 submissions from 2 submitters: Uncertain significance (2). Last evaluated 2026-01-07.

Conditions:
Autosomal dominant intellectual disability-craniofacial anomalies-cardiac defects syndrome (ARTHS). Also called: KAT6A syndrome; Mental retardation, autosomal dominant 32; Arboleda-Tham syndrome. Identifiers: Orphanet 457193, MedGen C4225396, MONDO:0014558, OMIM 616268.

Allele frequency attached by ClinVar (database versions not stated): gnomAD exomes below 0.00001; TOPMed 0.00001.
gnomAD v4.1: 5 of 1,613,952 alleles (0.00031%); highest among the groups gnomAD compares: Middle Eastern, 0.017%; no homozygotes.

Submissions (2):

Labcorp Genetics (formerly Invitae), Labcorp
Classification: Uncertain significance. Last evaluated: 2026-01-07. Review status: criteria provided, single submitter. Criteria: Invitae Variant Classification Sherloc (09022015). Collection method: clinical testing. Allele origin: germline.
Comment: This sequence change replaces arginine, which is basic and polar, with glutamine, which is neutral and polar, at codon 251 of the KAT6A protein (p.Arg251Gln). This variant is not present in population databases (gnomAD no frequency). This variant has not been reported in the literature in individuals affected with KAT6A-related conditions. ClinVar contains an entry for this variant (Variation ID: 1285505). Invitae Evidence Modeling of protein sequence and biophysical properties (such as structural, functional, and spatial information, amino acid conservation, physicochemical variation, residue mobility, and thermodynamic stability) indicates that this missense variant is not expected to disrupt KAT6A protein function with a negative predictive value of 95%. In summary, the available evidence is currently insufficient to determine the role of this variant in disease. Therefore, it has been classified as a Variant of Uncertain Significance.

Institute of Human Genetics, University of Leipzig Medical Center
Classification: Uncertain significance for Autosomal dominant intellectual disability-craniofacial anomalies-cardiac defects syndrome. Last evaluated: 2021-01-28. Review status: criteria provided, single submitter. Criteria: ACMG Guidelines, 2015. Collection method: clinical testing. Allele origin: unknown. Affected: yes.

NM_006766.5(KAT6A):c.752G>A (p.Arg251Gln)

Gene: KAT6A (lysine acetyltransferase 6A; minus strand). Cytogenetic location: 8p11.21.
Variant type: single nucleotide variant.
Coding change: c.752G>A on transcript NM_006766.5 (MANE Select); coding-DNA position 752, G replaced by A.
Protein change: p.Arg251Gln; replaces arginine 251 with glutamine.
Molecular consequence: missense variant.
Genome position (GRCh38, 1-based): chr8:41,981,912, C>T on the plus strand (G>A on the coding strand, the complement: KAT6A is on the minus strand). VCF-style: chr8-41981912-C-T. GRCh37 (hg19) VCF-style: chr8-41839430-C-T.
Other names: c.752G>A, p.Arg251Gln (NM_001305878.2); short protein forms R251Q.
Identifiers: ClinVar variation 1285505 (VCV001285505.4), dbSNP rs1824373842, ClinGen allele CA371173960.